The following is an entry in ClinVar:

ClinVar aggregate classification (germline): Benign (1 of 4 stars; one submission).

Allele frequency attached by ClinVar (database versions not stated): 1000 Genomes Project 30x 0.02249; 1000 Genomes Project 0.02356; TOPMed 0.04261; gnomAD 0.05568.
gnomAD v4.1: 7,648 of 152,232 alleles (5%); highest among the groups gnomAD compares: Non-Finnish European, 7.4%; 307 homozygotes.

Submission:

GeneDx
Classification: Benign. Last evaluated: 2018-06-19. Review status: criteria provided, single submitter. Criteria: GeneDx Variant Classification (06012015). Collection method: clinical testing. Allele origin: germline. Affected: yes.
Comment: This variant is considered likely benign or benign based on one or more of the following criteria: it is a conservative change, it occurs at a poorly conserved position in the protein, it is predicted to be benign by multiple in silico algorithms, and/or has population frequency not consistent with disease.

NM_004519.4(KCNQ3):c.777+225G>C

Gene: KCNQ3 (potassium voltage-gated channel subfamily Q member 3; minus strand). Cytogenetic location: 8q24.22.
Variant type: single nucleotide variant.
Coding change: c.777+225G>C on transcript NM_004519.4 (MANE Select); 225 bases into the intron after coding-DNA position 777, G replaced by C.
Molecular consequence: intron variant.
Genome position (GRCh38, 1-based): chr8:132,179,932, C>G on the plus strand (G>C on the coding strand, the complement: KCNQ3 is on the minus strand). VCF-style: chr8-132179932-C-G. GRCh37 (hg19) VCF-style: chr8-133192179-C-G.
Other names: c.417+225G>C (NM_001204824.2).
Identifiers: ClinVar variation 682073 (VCV000682073.1), dbSNP rs41272379, ClinGen allele CA15579708.